The following is an entry in ClinVar:

ClinVar aggregate classification (germline): Benign/Likely benign. Review status: criteria provided, multiple submitters, no conflicts (2 of 4 stars). 13 submissions from 12 submitters: Benign (2); Likely benign (8). 3 of the submissions do not count toward it. Last evaluated 2025-12-18.

Conditions:
RAD51C-related disorder. Also called: RAD51C-related condition; RAD51C-related disorders.
Breast and/or ovarian cancer. Identifiers: MedGen CN221562.
Hereditary cancer-predisposing syndrome. Also called: Tumor predisposition; Neoplastic Syndromes, Hereditary; Hereditary neoplastic syndrome; Hereditary Cancer Syndrome. Identifiers: Orphanet 140162, MedGen C0027672, MeSH D009386, MONDO:0015356.
Fanconi anemia complementation group O. Also called: RAD51C-Related Fanconi Anemia. Identifiers: Orphanet 84, MedGen C3150653, MONDO:0013248, OMIM 613390.
Breast-ovarian cancer, familial, susceptibility to, 3. Also called: RAD51C-Related Breast/Ovarian Cancer. Identifiers: Orphanet 145, MedGen C3150659, MONDO:0013253, OMIM 613399.

Allele frequency attached by ClinVar (database versions not stated): ExAC 0.00001; gnomAD exomes 0.00002 and 0.00004; TOPMed 0.00004; gnomAD 0.00005 and 0.00006.
gnomAD v4.1: 71 of 1,613,928 alleles (0.0044%); highest among the groups gnomAD compares: Non-Finnish European, 0.0058%; no homozygotes.

Submissions (14):

Labcorp Genetics (formerly Invitae), Labcorp
Classification: Likely benign for Fanconi anemia complementation group O. Last evaluated: 2025-12-18. Review status: criteria provided, single submitter. Criteria: Invitae Variant Classification Sherloc (09022015). Collection method: clinical testing. Allele origin: germline.

Institute for Biomarker Research, Medical Diagnostic Laboratories, L.L.C.
Classification: Likely benign for Hereditary cancer-predisposing syndrome. Last evaluated: 2025-03-20. Review status: criteria provided, single submitter. Criteria: ACMG Guidelines, 2015. Collection method: clinical testing. Allele origin: germline.
Comment: The synonymous variant NM_058216.3(RAD51C):c.336G>A (p.Gly112=) has been reported to ClinVar as Benign/Likely benign with a status of (2 stars) criteria provided, multiple submitters, no conflicts (Variation ID 183850 as of 2025-03-07). The p.Gly112= variant is not predicted to disrupt an existing splice site. The p.Gly112= variant results in a substitution of a base that is not predicted conserved by GERP++ and PhyloP. For these reasons, this variant has been classified as Likely Benign

Blueprint Genetics
Classification: Likely benign. Last evaluated: 2024-10-09. Review status: criteria provided, single submitter. Criteria: ACMG Guidelines, 2015. Collection method: clinical testing. Allele origin: germline.

Women's Health and Genetics/Laboratory Corporation of America, LabCorp
Classification: Likely benign. Last evaluated: 2024-01-22. Review status: criteria provided, single submitter. Criteria: LabCorp Variant Classification Summary - May 2015. Collection method: clinical testing. Allele origin: germline.

Myriad Genetics, Inc.
Classification: Benign for Breast-ovarian cancer, familial, susceptibility to, 3. Last evaluated: 2023-04-05. Review status: criteria provided, single submitter. Criteria: Myriad Autosomal Dominant, Autosomal Recessive and X-Linked Classification Criteria (2023). Collection method: clinical testing. Allele origin: unknown.
Comment: This variant is considered benign. This variant is a silent/synonymous amino acid change and it is not expected to impact splicing.

CHEO Genetics Diagnostic Laboratory, Children's Hospital of Eastern Ontario
Classification: Likely benign for Breast and/or ovarian cancer. Last evaluated: 2023-01-25. Review status: criteria provided, single submitter. Criteria: ACMG Guidelines, 2015. Collection method: clinical testing. Allele origin: germline.

Quest Diagnostics Nichols Institute San Juan Capistrano
Classification: Likely benign. Last evaluated: 2019-12-05. Review status: criteria provided, single submitter. Criteria: Quest Diagnostics criteria. Collection method: clinical testing. Allele origin: unknown.

Color Diagnostics, LLC DBA Color Health
Classification: Likely benign for Hereditary cancer-predisposing syndrome. Last evaluated: 2017-01-25. Review status: criteria provided, single submitter. Criteria: ACMG Guidelines, 2015. Collection method: clinical testing. Allele origin: germline.

GeneDx
Classification: Benign. Last evaluated: 2015-03-24. Review status: criteria provided, single submitter. Criteria: GeneDx Variant Classification Process June 2021. Collection method: clinical testing. Allele origin: germline. Affected: yes.

Ambry Genetics
Classification: Likely benign for Hereditary cancer-predisposing syndrome. Last evaluated: 2015-01-19. Review status: criteria provided, single submitter. Criteria: Ambry Variant Classification Scheme 2023. Collection method: clinical testing. Allele origin: germline.

PreventionGenetics, part of Exact Sciences
Classification: Likely benign for RAD51C-related condition. Last evaluated: 2019-12-03. Review status: no assertion criteria provided. Collection method: clinical testing. Allele origin: germline. Not counted in ClinVar's aggregate classification.
Comment: This variant is classified as likely benign based on ACMG/AMP sequence variant interpretation guidelines (Richards et al. 2015 PMID: 25741868, with internal and published modifications).

Counsyl
Classification: Likely benign for Fanconi anemia complementation group O. Last evaluated: 2016-10-19. Review status: no assertion criteria provided. Collection method: clinical testing. Allele origin: unknown. Not counted in ClinVar's aggregate classification.

Counsyl
Classification: Likely benign for Breast-ovarian cancer, familial, susceptibility to, 3. Last evaluated: 2016-10-19. Review status: no assertion criteria provided. Collection method: clinical testing. Allele origin: unknown. Not counted in ClinVar's aggregate classification.

Dr. Peter K. Rogan Lab, Western University
No classification provided (evidence only). Condition: Hepatocellular carcinoma. Review status: no classification provided. Collection method: in vitro. Allele origin: not applicable. Functional consequence: retained intron. Not counted in ClinVar's aggregate classification.

NM_058216.3(RAD51C):c.336G>A (p.Gly112=)

Gene: RAD51C (RAD51 paralog C; plus strand). Cytogenetic location: 17q22.
Variant type: single nucleotide variant.
Coding change: c.336G>A on transcript NM_058216.3 (MANE Select); coding-DNA position 336, G replaced by A.
Protein change: p.Gly112=; no amino-acid change (glycine 112 retained).
Molecular consequence: synonymous variant. On other transcripts: non-coding transcript variant (2).
Genome position (GRCh38, 1-based): chr17:58,695,121, G>A. VCF-style: chr17-58695121-G-A. GRCh37 (hg19) VCF-style: chr17-56772482-G-A.
Other names: c.336G>A, p.Gly112= (NM_002876.4).
Identifiers: ClinVar variation 183850 (VCV000183850.30), dbSNP rs746122031, ClinGen allele CA186740.